The following is an entry in ClinVar:

ClinVar aggregate classification (germline): Benign/Likely benign. Review status: criteria provided, multiple submitters, no conflicts (2 of 4 stars). 26 submissions from 23 submitters: Benign (16); Likely benign (3). 7 of the submissions do not count toward it. Last evaluated 2026-10-01.

Conditions:
TTN-related disorder. Also called: TTN-related disorders; TTN-related condition; TTN-related disease.
Cardiovascular phenotype. Identifiers: MedGen CN230736.
Autosomal recessive limb-girdle muscular dystrophy type 2J (LGMDR10). Also called: MUSCULAR DYSTROPHY, LIMB-GIRDLE, AUTOSOMAL RECESSIVE 10; Limb-girdle muscular dystrophy, type 2J. Identifiers: Orphanet 140922, MedGen C1837342, MONDO:0012127, OMIM 608807.
Dilated cardiomyopathy 1G (CMD1G). Identifiers: Orphanet 154, MedGen C1858763, MONDO:0011400, OMIM 604145.
Cardiomyopathy (CMYO). Also called: Cardiomyopathies. Identifiers: Orphanet 167848, MedGen C0878544, MONDO:0004994, HP:0001638. Inheritance: Various modes of inheritance.
Early-onset myopathy with fatal cardiomyopathy (CMYO5). Also called: CONGENITAL MYOPATHY 5 WITH CARDIOMYOPATHY; Salih Myopathy. Identifiers: Orphanet 289377, MedGen C2673677, MONDO:0012714, OMIM 611705. Disease mechanism: loss of function.
Myopathy, myofibrillar, 9, with early respiratory failure (MFM9). Also called: Myopathy, distal, with early respiratory failure, autosomal dominant; Hereditary myopathy with early respiratory failure; EDSTROM MYOPATHY; MYOPATHY, PROXIMAL, WITH EARLY RESPIRATORY MUSCLE INVOLVEMENT. Identifiers: Orphanet 178464, Orphanet 34521, MedGen C1863599, MONDO:0011362, OMIM 603689.
Tibial muscular dystrophy (TMD). Also called: Tibial muscular dystrophy, tardive; Udd Distal Myopathy – Tibial Muscular Dystrophy; UDD MYOPATHY. Identifiers: Orphanet 609, MedGen C1838244, MONDO:0010870, OMIM 600334.
Hypertrophic cardiomyopathy 2. Also called: TNNT2-Related Familial Hypertrophic Cardiomyopathy. Identifiers: MedGen C1861864, MONDO:0007266, OMIM 115195.

Allele frequency attached by ClinVar (database versions not stated): gnomAD 0.00613 and 0.00612; gnomAD exomes 0.00689 and 0.00628; 1000 Genomes Project 30x 0.00297; TOPMed 0.00402; ExAC 0.00546; ESP Exome Variant Server 0.00497; 1000 Genomes Project 0.00300.
gnomAD v4.1: 10,980 of 1,613,854 alleles (0.68%); highest among the groups gnomAD compares: Non-Finnish European, 0.7%; 68 homozygotes.

Submissions (26):

CeGaT Center for Human Genetics Tuebingen
Classification: Likely benign. Last evaluated: 2026-10-01. Review status: criteria provided, single submitter. Criteria: CeGaT Center For Human Genetics Tuebingen Variant Classification Criteria Version 2. Collection method: clinical testing. Allele origin: germline. Affected: yes. Observed: 52 variant alleles.
Comment: TTN: BP4, BS2

Labcorp Genetics (formerly Invitae), Labcorp
Classification: Benign for Dilated cardiomyopathy 1G; Autosomal recessive limb-girdle muscular dystrophy type 2J. Last evaluated: 2026-02-04. Review status: criteria provided, single submitter. Criteria: Invitae Variant Classification Sherloc (09022015). Collection method: clinical testing. Allele origin: germline.

Molecular Diagnostic Laboratory for Inherited Cardiovascular Disease, Montreal Heart Institute
Classification: Likely benign. Last evaluated: 2025-04-09. Review status: criteria provided, single submitter. Criteria: ACMG Guidelines, 2015. Collection method: clinical testing. Allele origin: germline. Affected: no.

ARUP Laboratories, Molecular Genetics and Genomics, ARUP Laboratories
Classification: Benign. Last evaluated: 2025-03-25. Review status: criteria provided, single submitter. Criteria: ARUP Molecular Germline Variant Investigation Process 2024. Collection method: clinical testing. Allele origin: germline.

PreventionGenetics, part of Exact Sciences
Classification: Benign for TTN-related condition. Last evaluated: 2025-03-24. Review status: criteria provided, single submitter. Criteria: ACMG Guidelines, 2015. Collection method: clinical testing. Allele origin: germline.
Comment: This variant is classified as benign based on ACMG/AMP sequence variant interpretation guidelines (Richards et al. 2015 PMID: 25741868, with internal and published modifications).

Blueprint Genetics
Classification: Likely benign. Last evaluated: 2024-11-21. Review status: criteria provided, single submitter. Criteria: ACMG Guidelines, 2015. Collection method: clinical testing. Allele origin: germline.

Athena Diagnostics
Classification: Benign. Last evaluated: 2024-08-02. Review status: criteria provided, single submitter. Criteria: Athena Diagnostics Criteria. Collection method: clinical testing. Allele origin: unknown.

Genome-Nilou Lab
Classification: Benign for Autosomal recessive limb-girdle muscular dystrophy type 2J. Last evaluated: 2021-09-10. Review status: criteria provided, single submitter. Criteria: ACMG Guidelines, 2015. Collection method: clinical testing. Allele origin: germline. Affected: no.

Genome-Nilou Lab
Classification: Benign for Myopathy, myofibrillar, 9, with early respiratory failure. Last evaluated: 2021-09-10. Review status: criteria provided, single submitter. Criteria: ACMG Guidelines, 2015. Collection method: clinical testing. Allele origin: germline. Affected: no.

Genome-Nilou Lab
Classification: Benign for Early-onset myopathy with fatal cardiomyopathy. Last evaluated: 2021-09-10. Review status: criteria provided, single submitter. Criteria: ACMG Guidelines, 2015. Collection method: clinical testing. Allele origin: germline. Affected: no.

Genome-Nilou Lab
Classification: Benign for Tibial muscular dystrophy. Last evaluated: 2021-09-10. Review status: criteria provided, single submitter. Criteria: ACMG Guidelines, 2015. Collection method: clinical testing. Allele origin: germline. Affected: no.

Center for Advanced Laboratory Medicine, UC San Diego Health, University of California San Diego
Classification: Benign for Cardiomyopathy. Last evaluated: 2019-01-24. Review status: criteria provided, single submitter. Criteria: ACMG Guidelines, 2015. Collection method: clinical testing. Allele origin: germline. Affected: yes. Observed: 2 variant alleles.

GeneDx
Classification: Benign. Last evaluated: 2018-03-12. Review status: criteria provided, single submitter. Criteria: GeneDx Variant Classification (06012015). Collection method: clinical testing. Allele origin: germline. Affected: yes.
Comment: This variant is considered likely benign or benign based on one or more of the following criteria: it is a conservative change, it occurs at a poorly conserved position in the protein, it is predicted to be benign by multiple in silico algorithms, and/or has population frequency not consistent with disease.

CHEO Genetics Diagnostic Laboratory, Children's Hospital of Eastern Ontario
Classification: Benign for Cardiomyopathy. Last evaluated: 2016-12-28. Review status: criteria provided, single submitter. Criteria: ACMG Guidelines, 2015. Collection method: clinical testing. Allele origin: germline. Study: Canadian Open Genetics Repository.

Mayo Clinic Laboratories, Mayo Clinic
Classification: Benign. Last evaluated: 2016-11-18. Review status: criteria provided, single submitter. Criteria: ACMG Guidelines, 2015. Collection method: clinical testing. Allele origin: germline. Observed: 16 variant alleles.

Ambry Genetics
Classification: Benign for Cardiovascular phenotype. Last evaluated: 2016-02-24. Review status: criteria provided, single submitter. Criteria: Ambry Variant Classification Scheme 2023. Collection method: clinical testing. Allele origin: germline.

Eurofins Ntd Llc (ga)
Classification: Benign. Last evaluated: 2015-10-09. Review status: criteria provided, single submitter. Criteria: EGL Classification Definitions 2015. Collection method: clinical testing. Allele origin: germline. Observed: 1 variant allele, 1 heterozygote.

Laboratory for Molecular Medicine, Mass General Brigham Personalized Medicine
Classification: Benign. Last evaluated: 2015-05-20. Review status: criteria provided, single submitter. Criteria: LMM Criteria. Collection method: clinical testing. Allele origin: germline. Observed: 20 variant alleles.
Comment: p.Ile3956Phe in exon 45B of TTN: This variant is not expected to have clinical s ignificance because it has been identified in 2.2% (145/6608) of Finnish chromos omes, including 1 homozygote, by the Exome Aggregation Consortium (ExAC; dbSNP rs34618570).

Biesecker Lab/Clinical Genomics Section, National Institutes of Health
Classification: Benign. Last evaluated: 2013-06-24. Review status: criteria provided, single submitter. Criteria: Ng et al. (Circ Cardiovasc Genet. 2013). Collection method: research. Allele origin: unknown. Observed: 11 variant alleles. Study: ClinSeq.
Comment: The study set was not selected for affection status in relation to any cancer. Pathogenicity categories were based on literature curation. See Pubmed ID:23861362 for details.

Medical sequencing

Clinical Genetics DNA and cytogenetics Diagnostics Lab, Erasmus MC, Erasmus Medical Center
Classification: Likely benign. Review status: no assertion criteria provided. Collection method: clinical testing. Allele origin: germline. Affected: yes. Study: VKGL Data-share Consensus. Not counted in ClinVar's aggregate classification.

Clinical Genetics, Academic Medical Center
Classification: Benign. Review status: no assertion criteria provided. Collection method: clinical testing. Allele origin: germline. Affected: yes. Study: VKGL Data-share Consensus. Not counted in ClinVar's aggregate classification.

Diagnostic Laboratory, Department of Genetics, University Medical Center Groningen
Classification: Likely benign. Review status: no assertion criteria provided. Collection method: clinical testing. Allele origin: germline. Affected: yes. Study: VKGL Data-share Consensus. Not counted in ClinVar's aggregate classification.

Genome Diagnostics Laboratory, University Medical Center Utrecht
Classification: Likely benign. Review status: no assertion criteria provided. Collection method: clinical testing. Allele origin: germline. Affected: yes. Study: VKGL Data-share Consensus. Not counted in ClinVar's aggregate classification.

Institute of Human Genetics, University of Wuerzburg
Classification: Likely benign for Hypertrophic cardiomyopathy 2. Review status: no assertion criteria provided. Collection method: clinical testing. Allele origin: unknown. Affected: yes. Observed: 1 variant allele. Not counted in ClinVar's aggregate classification.

Joint Genome Diagnostic Labs from Nijmegen and Maastricht, Radboudumc and MUMC+
Classification: Benign. Review status: no assertion criteria provided. Collection method: clinical testing. Allele origin: germline. Affected: yes. Study: VKGL Data-share Consensus. Not counted in ClinVar's aggregate classification.

Laboratory of Diagnostic Genome Analysis, Leiden University Medical Center (LUMC)
Classification: Likely benign. Review status: no assertion criteria provided. Collection method: clinical testing. Allele origin: germline. Affected: yes. Study: VKGL Data-share Consensus. Not counted in ClinVar's aggregate classification.

NM_001267550.2(TTN):c.12580A>T (p.Ile4194Phe)

Gene: TTN (titin; minus strand). Cytogenetic location: 2q31.2.
Variant type: single nucleotide variant.
Coding change: c.12580A>T on transcript NM_001267550.2 (MANE Select); coding-DNA position 12580, A replaced by T.
Protein change: p.Ile4194Phe; replaces isoleucine 4194 with phenylalanine.
Molecular consequence: missense variant. On other transcripts: intron variant (1).
Genome position (GRCh38, 1-based): chr2:178,740,653, T>A on the plus strand (A>T on the coding strand, the complement: TTN is on the minus strand). VCF-style: chr2-178740653-T-A. GRCh37 (hg19) VCF-style: chr2-179605380-T-A.
Other names: p.I3877F:ATT>TTT; p.Ile3877Phe; c.11629A>T, p.Ile3877Phe (NM_001256850.1); c.11491A>T, p.Ile3831Phe (NM_003319.4); c.11866A>T, p.Ile3956Phe (NM_133432.3); c.12067A>T, p.Ile4023Phe (NM_133437.4); c.10361-2293A>T (NM_133378.4); c.12580A>T (NM_001267550.1); short protein forms I4194F, I3956F, I3877F, I3831F, I4023F.
Identifiers: ClinVar variation 47826 (VCV000047826.83), dbSNP rs34618570, ClinGen allele CA141984.
Genomic context (GRCh38, chr2:178,740,653, plus strand): 5'-GATAATTCCCTTCAGGTTCAGCTAATAAAGTTTTCAGAGGCTCAACTGTTAATGAATTAA[T>A]TTGTTCTATGGACATGGCACTTGGGAAGATTTTCTCGGTATCTGATAGAACTGCCTGTGT-3'
Protein context (NP_001254479.2, residues 4184-4204): IFPSAMSIEQ[Ile4194Phe]NSLTVEPLKT